The following is an entry in ClinVar:

ClinVar aggregate classification (germline): Uncertain significance (1 of 4 stars; one submission).

Conditions:
Cardiovascular phenotype. Identifiers: MedGen CN230736.

Submission:

Ambry Genetics
Classification: Uncertain significance for Cardiovascular phenotype. Last evaluated: 2021-10-21. Review status: criteria provided, single submitter. Criteria: Ambry Variant Classification Scheme 2023. Collection method: clinical testing. Allele origin: germline.
Comment: The p.T277K variant (also known as c.830C>A), located in coding exon 9 of the TECRL gene, results from a C to A substitution at nucleotide position 830. The threonine at codon 277 is replaced by lysine, an amino acid with similar properties. This amino acid position is conserved. In addition, this alteration is predicted to be tolerated by in silico analysis. Since supporting evidence is limited at this time, the clinical significance of this alteration remains unclear.

NM_001010874.5(TECRL):c.830C>A (p.Thr277Lys)

Gene: TECRL (trans-2,3-enoyl-CoA reductase like; minus strand). Cytogenetic location: 4q13.1.
Variant type: single nucleotide variant.
Coding change: c.830C>A on transcript NM_001010874.5 (MANE Select); coding-DNA position 830, C replaced by A.
Protein change: p.Thr277Lys; replaces threonine 277 with lysine.
Molecular consequence: missense variant.
Genome position (GRCh38, 1-based): chr4:64,289,712, G>T on the plus strand (C>A on the coding strand, the complement: TECRL is on the minus strand). VCF-style: chr4-64289712-G-T. GRCh37 (hg19) VCF-style: chr4-65155430-G-T.
Other names: c.830C>A, p.Thr277Lys (NM_001363796.1); short protein forms T277K.
Identifiers: ClinVar variation 1762864 (VCV001762864.2), dbSNP rs202113618, ClinGen allele CA357045894.
Genomic context (GRCh38, chr4:64,289,712, plus strand): 5'-TAAAAATAATTGTTAACATAATTCACTCTAAAGAAAAGAAAAAGAAAAAAGAACTAACCT[G>T]TGTGATTGGGATGAGACAACATTACATTGATGAAATGATTCCCAGCTTCACAAATCTGCA-3'
Protein context (NP_001010874.2, residues 267-287): INVMLSHPNH[Thr277Lys]GNNACFPSPN